The following is an entry in ClinVar:

NM_000179.3(MSH6):c.900del (p.Lys301fs)

Gene: MSH6 (mutS homolog 6; plus strand). Cytogenetic location: 2p16.3.
Variant type: Deletion.
Coding change: c.900del on transcript NM_000179.3 (MANE Select); coding-DNA position 900, one base deleted (G; older notation c.900delG).
Protein change: p.Lys301fs; shifts the reading frame from lysine 301.
Molecular consequence: frameshift variant. On other transcripts: 5 prime UTR variant (2).
Genome position (GRCh38, 1-based): chr2:47,798,883, G deleted; the last of 2 consecutive G bases (chr2:47,798,882-47,798,883); deleting either gives the same sequence. VCF-style (leftmost placement, unchanged base first): chr2-47798881-CG-C. GRCh37 (hg19) VCF-style: chr2-48026020-CG-C.
Other names: c.510del, p.Lys171fs (NM_001281492.2); c.-7del (NM_001281493.2, NM_001281494.2); short protein forms K171fs, K301fs.
Identifiers: ClinVar variation 1450135 (VCV001450135.11), dbSNP rs863225421, ClinGen allele CA2573051270.

ClinVar aggregate classification (germline): Pathogenic/Likely pathogenic. Review status: criteria provided, multiple submitters, no conflicts (2 of 4 stars). 4 submissions from 4 submitters: Pathogenic (3); Likely pathogenic (1). Last evaluated 2025-10-30.

Conditions:
Hereditary cancer-predisposing syndrome. Also called: Hereditary Cancer Syndrome; Hereditary neoplastic syndrome; Neoplastic Syndromes, Hereditary; Tumor predisposition. Identifiers: Orphanet 140162, MedGen C0027672, MeSH D009386, MONDO:0015356.
Endometrial carcinoma. Also called: Endometrial carcinoma, somatic. Identifiers: MedGen C0476089, MONDO:0002447, OMIM 608089, HP:0012114.
Lynch syndrome 5 (LYNCH5). Also called: Colorectal cancer, hereditary nonpolyposis, type 5; Hereditary non-polyposis colorectal cancer, type 5. Identifiers: Orphanet 144, MedGen C1833477, MONDO:0013710, OMIM 614350. Disease mechanism: loss of function.
Hereditary nonpolyposis colorectal neoplasms. Identifiers: MedGen C0009405, MeSH D003123.

Submissions (4):

Ambry Genetics
Classification: Pathogenic for Hereditary cancer-predisposing syndrome. Last evaluated: 2025-10-30. Review status: criteria provided, single submitter. Criteria: Ambry Variant Classification Scheme 2023. Collection method: clinical testing. Allele origin: germline.
Comment: The c.900delG pathogenic mutation, located in coding exon 4 of the MSH6 gene, results from a deletion of one nucleotide at nucleotide position 900, causing a translational frameshift with a predicted alternate stop codon (p.K301Rfs*4). This variant is considered to be rare based on population cohorts in the Genome Aggregation Database (gnomAD). This alteration is expected to result in loss of function by premature protein truncation or nonsense-mediated mRNA decay. As such, this alteration is interpreted as a disease-causing mutation.

Labcorp Genetics (formerly Invitae), Labcorp
Classification: Pathogenic for Hereditary nonpolyposis colorectal neoplasms. Last evaluated: 2024-05-07. Review status: criteria provided, single submitter. Criteria: Invitae Variant Classification Sherloc (09022015). Collection method: clinical testing. Allele origin: germline.
Comment: This sequence change creates a premature translational stop signal (p.Lys301Argfs*4) in the MSH6 gene. It is expected to result in an absent or disrupted protein product. Loss-of-function variants in MSH6 are known to be pathogenic (PMID: 18269114, 24362816). This variant is not present in population databases (gnomAD no frequency). This variant has not been reported in the literature in individuals affected with MSH6-related conditions. ClinVar contains an entry for this variant (Variation ID: 1450135). For these reasons, this variant has been classified as Pathogenic.

Myriad Genetics, Inc.
Classification: Pathogenic for Lynch syndrome 5. Last evaluated: 2023-08-11. Review status: criteria provided, single submitter. Criteria: Myriad Autosomal Dominant, Autosomal Recessive and X-Linked Classification Criteria (2023). Collection method: clinical testing. Allele origin: unknown.
Comment: This variant is considered pathogenic. This variant creates a frameshift predicted to result in premature protein truncation.

Baylor Genetics
Classification: Likely pathogenic for Endometrial carcinoma. Last evaluated: 2023-01-25. Review status: criteria provided, single submitter. Criteria: ACMG Guidelines, 2015. Collection method: clinical testing. Allele origin: unknown.

Literature cited by the submitters: PubMed 18269114 (cited by Labcorp Genetics (formerly Invitae), Labcorp); PubMed 24362816 (cited by Labcorp Genetics (formerly Invitae), Labcorp).